The following is an entry in ClinVar:

ClinVar aggregate classification (germline): Likely benign (1 of 4 stars; one submission).

gnomAD v4.1: 376 of 1,614,080 alleles (0.023%); highest among the groups gnomAD compares: East Asian, 0.8%; 2 homozygotes.

Submission:

Mayo Clinic Laboratories, Mayo Clinic
Classification: Likely benign. Last evaluated: 2025-10-23. Review status: criteria provided, single submitter. Criteria: ACMG Guidelines, 2015. Collection method: clinical testing. Allele origin: germline. Observed: 2 variant alleles.
Comment: BP1, BP4

Literature cited by the submitters: PubMed 34245915.

NM_005666.4(CFHR2):c.177T>G (p.Phe59Leu)

Gene: CFHR2 (complement factor H related 2; plus strand). Cytogenetic location: 1q31.3.
Variant type: single nucleotide variant.
Coding change: c.177T>G on transcript NM_005666.4 (MANE Select); coding-DNA position 177, T replaced by G.
Protein change: p.Phe59Leu; replaces phenylalanine 59 with leucine.
Molecular consequence: missense variant. On other transcripts: intron variant (2).
Genome position (GRCh38, 1-based): chr1:196,949,573, T>G. VCF-style: chr1-196949573-T-G. GRCh37 (hg19) VCF-style: chr1-196918703-T-G.
Other names: p.Phe59Leu; c.58+5635T>G (NM_001312672.1); c.59-1279T>G (NM_001410924.1); short protein forms F59L.
Identifiers: ClinVar variation 4684013 (VCV004684013.1).
Genomic context (GRCh38, chr1:196,949,573, plus strand): 5'-TAAGCCATTTTCCCAAGTTCCTACAGGGGAAGTTTTCTATTACTCCTGTGAATATAATTT[T>G]GTGTCTCCTTCAAAATCCTTTTGGACTCGCATAACGTGCGCAGAAGAAGGATGGTCACCA-3'
Protein context (NP_005657.1, residues 49-69): EVFYYSCEYN[Phe59Leu]VSPSKSFWTR